The following is an entry in ClinVar:

ClinVar aggregate classification (germline): Uncertain significance. Review status: criteria provided, multiple submitters, no conflicts (2 of 4 stars). 3 submissions from 3 submitters: Uncertain significance (3). Last evaluated 2023-10-06.

Conditions:
Inborn genetic diseases. Identifiers: MedGen C0950123, MeSH D030342.
Hereditary sensory neuropathy-deafness-dementia syndrome. Also called: HSN IE; Hereditary Sensory and Autonomic Neuropathy Type 1E (HSAN1E); Hereditary sensory neuropathy type IE; NEUROPATHY, HEREDITARY SENSORY, WITH HEARING LOSS AND DEMENTIA. Identifiers: Orphanet 456318, MedGen C3279885, MONDO:0013584, OMIM 614116.

Allele frequency attached by ClinVar (database versions not stated): gnomAD exomes below 0.00001 and 0.00001; gnomAD 0.00001; TOPMed 0.00002.
gnomAD v4.1: 19 of 1,613,952 alleles (0.0012%); highest among the groups gnomAD compares: East Asian, 0.0022%; no homozygotes.

Submissions (3):

Labcorp Genetics (formerly Invitae), Labcorp
Classification: Uncertain significance for Hereditary sensory neuropathy-deafness-dementia syndrome. Last evaluated: 2023-10-06. Review status: criteria provided, single submitter. Criteria: Invitae Variant Classification Sherloc (09022015). Collection method: clinical testing. Allele origin: germline.
Comment: This sequence change replaces valine, which is neutral and non-polar, with isoleucine, which is neutral and non-polar, at codon 671 of the DNMT1 protein (p.Val671Ile). This variant is present in population databases (no rsID available, gnomAD 0.006%). This variant has not been reported in the literature in individuals affected with DNMT1-related conditions. ClinVar contains an entry for this variant (Variation ID: 1178487). Advanced modeling of protein sequence and biophysical properties (such as structural, functional, and spatial information, amino acid conservation, physicochemical variation, residue mobility, and thermodynamic stability) performed at Invitae indicates that this missense variant is not expected to disrupt DNMT1 protein function. In summary, the available evidence is currently insufficient to determine the role of this variant in disease. Therefore, it has been classified as a Variant of Uncertain Significance.

Ambry Genetics
Classification: Uncertain significance for Inborn genetic diseases. Last evaluated: 2022-02-24. Review status: criteria provided, single submitter. Criteria: Ambry Variant Classification Scheme 2023. Collection method: clinical testing. Allele origin: germline.
Comment: The p.V655I variant (also known as c.1963G>A), located in coding exon 21 of the DNMT1 gene, results from a G to A substitution at nucleotide position 1963. The valine at codon 655 is replaced by isoleucine, an amino acid with highly similar properties. This amino acid position is highly conserved in available vertebrate species. In addition, this alteration is predicted to be tolerated by in silico analysis. Since supporting evidence is limited at this time, the clinical significance of this alteration remains unclear.

GeneDx
Classification: Uncertain significance. Last evaluated: 2019-07-18. Review status: criteria provided, single submitter. Criteria: GeneDx Variant Classification Process June 2021. Collection method: clinical testing. Allele origin: germline. Affected: yes.
Comment: In silico analysis, which includes protein predictors and evolutionary conservation, supports that this variant does not alter protein structure/function; Has not been previously published as pathogenic or benign to our knowledge

NM_001130823.3(DNMT1):c.2011G>A (p.Val671Ile)

Gene: DNMT1 (DNA methyltransferase 1; minus strand). Cytogenetic location: 19p13.2.
Variant type: single nucleotide variant.
Coding change: c.2011G>A on transcript NM_001130823.3 (MANE Select); coding-DNA position 2011, G replaced by A.
Protein change: p.Val671Ile; replaces valine 671 with isoleucine.
Molecular consequence: missense variant.
Genome position (GRCh38, 1-based): chr19:10,154,301, C>T on the plus strand (G>A on the coding strand, the complement: DNMT1 is on the minus strand). VCF-style: chr19-10154301-C-T. GRCh37 (hg19) VCF-style: chr19-10264977-C-T.
Other names: c.1963G>A, p.Val655Ile (NM_001318730.2, NM_001379.4); c.1648G>A, p.Val550Ile (NM_001318731.2); short protein forms V550I, V655I, V671I.
Identifiers: ClinVar variation 1178487 (VCV001178487.9), dbSNP rs1486893166, ClinGen allele CA403933065.